The following is an entry in ClinVar:

ClinVar aggregate classification (germline): Conflicting classifications of pathogenicity. Review status: criteria provided, conflicting classifications (1 of 4 stars). 2 submissions from 2 submitters: Uncertain significance (1); Likely benign (1). Last evaluated 2024-05-15.

Conditions:
Inborn genetic diseases. Identifiers: MedGen C0950123, MeSH D030342.

Allele frequency attached by ClinVar (database versions not stated): ExAC 0.00006; TOPMed 0.00006; 1000 Genomes Project 30x 0.00031.
gnomAD v4.1: 242 of 1,542,580 alleles (0.016%); highest among the groups gnomAD compares: Non-Finnish European, 0.018%; no homozygotes.

Submissions (2):

Ambry Genetics
Classification: Likely benign for Inborn genetic diseases. Last evaluated: 2024-05-15. Review status: criteria provided, single submitter. Criteria: Ambry Variant Classification Scheme 2023. Collection method: clinical testing. Allele origin: germline.

Labcorp Genetics (formerly Invitae), Labcorp
Classification: Uncertain significance. Last evaluated: 2022-01-07. Review status: criteria provided, single submitter. Criteria: Invitae Variant Classification Sherloc (09022015). Collection method: clinical testing. Allele origin: germline.
Comment: This sequence change replaces arginine, which is basic and polar, with cysteine, which is neutral and slightly polar, at codon 568 of the SLC34A3 protein (p.Arg568Cys). This variant is present in population databases (rs770213028, gnomAD 0.02%). This variant has not been reported in the literature in individuals affected with SLC34A3-related conditions. ClinVar contains an entry for this variant (Variation ID: 844756). Algorithms developed to predict the effect of missense changes on protein structure and function (SIFT, PolyPhen-2, Align-GVGD) all suggest that this variant is likely to be tolerated. In summary, the available evidence is currently insufficient to determine the role of this variant in disease. Therefore, it has been classified as a Variant of Uncertain Significance.

NM_001177316.2(SLC34A3):c.1702C>T (p.Arg568Cys)

Gene: SLC34A3 (solute carrier family 34 member 3; plus strand). Cytogenetic location: 9q34.3.
Variant type: single nucleotide variant.
Coding change: c.1702C>T on transcript NM_001177316.2 (MANE Select); coding-DNA position 1702, C replaced by T.
Protein change: p.Arg568Cys; replaces arginine 568 with cysteine.
Molecular consequence: missense variant.
Genome position (GRCh38, 1-based): chr9:137,236,318, C>T. VCF-style: chr9-137236318-C-T. GRCh37 (hg19) VCF-style: chr9-140130770-C-T.
Other names: c.1702C>T, p.Arg568Cys (NM_001177317.2, NM_080877.3); short protein forms R568C.
Identifiers: ClinVar variation 844756 (VCV000844756.9), dbSNP rs770213028, ClinGen allele CA5365030.